The following is an entry in ClinVar:

ClinVar aggregate classification (germline): Uncertain significance (1 of 4 stars; one submission).

Submission:

GeneDx
Classification: Uncertain significance. Last evaluated: 2026-01-25. Review status: criteria provided, single submitter. Criteria: GeneDx Variant Classification Process June 2021. Collection method: clinical testing. Allele origin: germline.
Comment: Not observed at significant frequency in large population cohorts (gnomAD); In silico analysis suggests that this missense variant does not alter protein structure/function; Has not been previously published as pathogenic or benign to our knowledge

NM_007126.5(VCP):c.1411G>T (p.Val471Leu)

Gene: VCP (valosin containing protein; minus strand). Cytogenetic location: 9p13.3.
Variant type: single nucleotide variant.
Coding change: c.1411G>T on transcript NM_007126.5 (MANE Select); coding-DNA position 1411, G replaced by T.
Protein change: p.Val471Leu; replaces valine 471 with leucine.
Molecular consequence: missense variant.
Genome position (GRCh38, 1-based): chr9:35,060,872, C>A on the plus strand (G>T on the coding strand, the complement: VCP is on the minus strand). VCF-style: chr9-35060872-C-A. GRCh37 (hg19) VCF-style: chr9-35060869-C-A.
Other names: c.1276G>T, p.Val426Leu (NM_001354927.2, NM_001354928.2); short protein forms V426L, V471L.
Identifiers: ClinVar variation 4975654 (VCV004975654.1).